The following is an entry in ClinVar:

NM_002972.4(SBF1):c.5309G>A (p.Arg1770His)

Gene: SBF1 (SET binding factor 1; minus strand). Cytogenetic location: 22q13.33.
Variant type: single nucleotide variant.
Coding change: c.5309G>A on transcript NM_002972.4 (MANE Select); coding-DNA position 5309, G replaced by A.
Protein change: p.Arg1770His; replaces arginine 1770 with histidine.
Molecular consequence: missense variant.
Genome position (GRCh38, 1-based): chr22:50,448,287, C>T on the plus strand (G>A on the coding strand, the complement: SBF1 is on the minus strand). VCF-style: chr22-50448287-C-T. GRCh37 (hg19) VCF-style: chr22-50886716-C-T.
Other names: c.5234G>A, p.Arg1745His (NM_001365819.1); short protein forms R1745H, R1770H.
Identifiers: ClinVar variation 1420688 (VCV001420688.5), dbSNP rs762399206, ClinGen allele CA10315901.
Genomic context (GRCh38, chr22:50,448,287, plus strand): 5'-TCATACCTGTTCTCACTCTCTGCTGTCTGGAACTGGCTGTACAGGGTGCTGGTGCTGCGG[C>T]GGGCAGCCTGACGGGAGCCGGATGTGGTTGAGCCACTACTCTGGTCGCTGTCCAGGCTGA-3'
Protein context (NP_002963.2, residues 1760-1780): STTSGSRQAA[Arg1770His]RSTSTLYSQF

ClinVar aggregate classification (germline): Uncertain significance (1 of 4 stars; one submission).

Allele frequency attached by ClinVar (database versions not stated): ExAC 0.00001; gnomAD exomes 0.00002; TOPMed 0.00003; gnomAD 0.00004.
gnomAD v4.1: 32 of 1,613,044 alleles (0.002%); highest among the groups gnomAD compares: Middle Eastern, 0.017%; no homozygotes.

Submission:

Labcorp Genetics (formerly Invitae), Labcorp
Classification: Uncertain significance. Last evaluated: 2022-04-12. Review status: criteria provided, single submitter. Criteria: Invitae Variant Classification Sherloc (09022015). Collection method: clinical testing. Allele origin: germline.
Comment: This sequence change replaces arginine, which is basic and polar, with histidine, which is basic and polar, at codon 1770 of the SBF1 protein (p.Arg1770His). This variant is present in population databases (rs762399206, gnomAD 0.003%). This variant has not been reported in the literature in individuals affected with SBF1-related conditions. Algorithms developed to predict the effect of missense changes on protein structure and function are either unavailable or do not agree on the potential impact of this missense change (SIFT: "Tolerated"; PolyPhen-2: "Probably Damaging"; Align-GVGD: "Class C0"). In summary, the available evidence is currently insufficient to determine the role of this variant in disease. Therefore, it has been classified as a Variant of Uncertain Significance.